The following is an entry in ClinVar:

ClinVar aggregate classification (germline): Uncertain significance (1 of 4 stars; one submission).

Conditions:
Hereditary pheochromocytoma and paraganglioma. Also called: Hereditary paragangliomas and pheochromocytomas; Hereditary Paraganglioma-Pheochromocytoma Syndromes; Hereditary pheochromocytoma-paraganglioma. Identifiers: Orphanet 29072, MedGen C4274332, MONDO:0017366.

Submission:

Labcorp Genetics (formerly Invitae), Labcorp
Classification: Uncertain significance for Hereditary pheochromocytoma and paraganglioma. Last evaluated: 2021-10-13. Review status: criteria provided, single submitter. Criteria: Invitae Variant Classification Sherloc (09022015). Collection method: clinical testing. Allele origin: germline.
Comment: This variant has not been reported in the literature in individuals affected with MAX-related conditions. This sequence change results in a frameshift in the MAX gene (p.Gly137Alafs*33). While this is not anticipated to result in nonsense mediated decay, it is expected to disrupt the last 24 amino acid(s) of the MAX protein. This variant is not present in population databases (ExAC no frequency). In summary, the available evidence is currently insufficient to determine the role of this variant in disease. Therefore, it has been classified as a Variant of Uncertain Significance.

NM_002382.5(MAX):c.410del (p.Gly137fs)

Gene: MAX (MYC associated transcriptional regulator X; minus strand). Cytogenetic location: 14q23.3.
Variant type: Deletion.
Coding change: c.410del on transcript NM_002382.5 (MANE Select); coding-DNA position 410, one base deleted (G; older notation c.410delG).
Protein change: p.Gly137fs; shifts the reading frame from glycine 137.
Molecular consequence: frameshift variant. On other transcripts: intron variant (2), 3 prime UTR variant (1).
Genome position (GRCh38, 1-based): chr14:65,076,549, C deleted on the plus strand (G on the coding strand, the reverse complement: MAX is on the minus strand); the first of 5 consecutive C bases (chr14:65,076,549-65,076,553); deleting any one gives the same sequence. VCF-style (leftmost placement, unchanged base first): chr14-65076548-GC-G. GRCh37 (hg19) VCF-style: chr14-65543266-GC-G.
Other names: c.144+17159del (NM_001271069.2); c.171+17159del (NM_197957.4); c.221del, p.Gly74fs (NM_001320415.2); c.406delG, p.Gly137Alafs (NM_001407094.1); c.379delG, p.Gly128Alafs (NM_001407095.1); c.*179delG (NM_001407096.1, NM_001407099.1, NM_001407102.1 and 2 more transcripts); c.*195delG (NM_001407097.1, NM_001407100.1, NM_001407101.1 and 3 more transcripts); c.298delG, p.Gly101Alafs (NM_001407098.1); and 4 more; short protein forms G74fs, G128fs, G137fs.
Identifiers: ClinVar variation 1410024 (VCV001410024.7), dbSNP rs2139740118, ClinGen allele CA2573150037.